The following is an entry in ClinVar:

NM_004565.3(PEX14):c.485C>A (p.Thr162Lys)

Gene: PEX14 (peroxisomal biogenesis factor 14; plus strand). Cytogenetic location: 1p36.22.
Variant type: single nucleotide variant.
Coding change: c.485C>A on transcript NM_004565.3 (MANE Select); coding-DNA position 485, C replaced by A.
Protein change: p.Thr162Lys; replaces threonine 162 with lysine.
Molecular consequence: missense variant.
Genome position (GRCh38, 1-based): chr1:10,623,119, C>A. VCF-style: chr1-10623119-C-A. GRCh37 (hg19) VCF-style: chr1-10683176-C-A.
Other names: c.485C>A (NM_004565.2); short protein forms T162K.
Identifiers: ClinVar variation 1424016 (VCV001424016.7), dbSNP rs2124639470, ClinGen allele CA338333614.

ClinVar aggregate classification (germline): Uncertain significance. Review status: criteria provided, multiple submitters, no conflicts (2 of 4 stars). 2 submissions from 2 submitters: Uncertain significance (2). Last evaluated 2026-03-03.

Conditions:
Peroxisome biogenesis disorder, complementation group K (CGK). Identifiers: MedGen C1866257, MONDO:0800365.
PEX14-related disorder. Also called: PEX14-related condition.

Allele frequency attached by ClinVar (database versions not stated): gnomAD exomes below 0.00001.
gnomAD v4.1: 1 of 1,608,844 alleles (0.000062%); highest among the groups gnomAD compares: Non-Finnish European, 0.000085%; no homozygotes.

Submissions (2):

PreventionGenetics, part of Exact Sciences
Classification: Uncertain significance for PEX14-related condition. Last evaluated: 2026-03-03. Review status: criteria provided, single submitter. Criteria: ACMG Guidelines, 2015. Collection method: clinical testing. Allele origin: germline.
Comment: The PEX14 c.485C>A variant is predicted to result in the amino acid substitution p.Thr162Lys. To our knowledge, this variant has not been reported in the literature or in a large population database (gnomAD), indicating this variant is rare. At this time, the clinical significance of this variant is uncertain due to the absence of conclusive functional and genetic evidence.

Labcorp Genetics (formerly Invitae), Labcorp
Classification: Uncertain significance for Peroxisome biogenesis disorder, complementation group K. Last evaluated: 2021-08-24. Review status: criteria provided, single submitter. Criteria: Invitae Variant Classification Sherloc (09022015). Collection method: clinical testing. Allele origin: germline.
Comment: This variant has not been reported in the literature in individuals affected with PEX14-related conditions. This variant is not present in population databases (ExAC no frequency). This sequence change replaces threonine with lysine at codon 162 of the PEX14 protein (p.Thr162Lys). The threonine residue is moderately conserved and there is a moderate physicochemical difference between threonine and lysine. Algorithms developed to predict the effect of missense changes on protein structure and function are either unavailable or do not agree on the potential impact of this missense change (SIFT: "Tolerated"; PolyPhen-2: "Probably Damaging"; Align-GVGD: "Class C0"). In summary, the available evidence is currently insufficient to determine the role of this variant in disease. Therefore, it has been classified as a Variant of Uncertain Significance.